The following is an entry in ClinVar:

ClinVar aggregate classification (germline): Pathogenic (1 of 4 stars; one submission).

Submission:

Labcorp Genetics (formerly Invitae), Labcorp
Classification: Pathogenic. Last evaluated: 2022-03-15. Review status: criteria provided, single submitter. Criteria: Invitae Variant Classification Sherloc (09022015). Collection method: clinical testing. Allele origin: germline.
Comment: For these reasons, this variant has been classified as Pathogenic. This variant disrupts a region of the MPV17 protein in which other variant(s) (p.Pro64Arg) have been determined to be pathogenic (PMID: 23714749, 23829229). This suggests that this is a clinically significant region of the protein, and that variants that disrupt it are likely to be disease-causing. A similar copy number variant has been observed in individual(s) with mitochondrial DNA depletion syndrome (PMID: 23714749). It has also been observed to segregate with disease in related individuals. This variant is a gross deletion of the genomic region encompassing exon(s) 3-8 of the MPV17 gene, which includes the termination codon. This deletion extends beyond the assayed region for this gene and therefore may encompass additional genes. While this deletion is not anticipated to lead to nonsense mediated decay, it is expected to alter mRNA translation or result in a truncated protein product.

Literature cited by the submitters: PubMed 23714749; PubMed 23829229.

NC_000002.11:g.(?_27532770)_(27535986_?)del

Gene: MPV17 (mitochondrial inner membrane protein MPV17; minus strand). Cytogenetic location: 2p23.3.
Variant type: Deletion.
Identifiers: ClinVar variation 2424434 (VCV002424434.4).